The following is an entry in ClinVar:

ClinVar aggregate classification (germline): Likely pathogenic (1 of 4 stars; one submission).

Conditions:
Fanconi anemia (FA). Also called: Fanconi's anemia. Identifiers: Orphanet 84, MedGen C0015625, MeSH D005199, MONDO:0019391.

Submission:

Labcorp Genetics (formerly Invitae), Labcorp
Classification: Likely pathogenic for Fanconi anemia. Last evaluated: 2023-09-03. Review status: criteria provided, single submitter. Criteria: Invitae Variant Classification Sherloc (09022015). Collection method: clinical testing. Allele origin: unknown.
Comment: This variant is a gross deletion of the genomic region encompassing exon(s) 8-14 of the FANCL gene, which includes the termination codon. This deletion extends beyond the assayed region for this gene and therefore may encompass additional genes. While this deletion is not anticipated to lead to nonsense mediated decay, it is expected to alter mRNA translation or result in a truncated protein product. This variant has not been reported in the literature in individuals affected with FANCL-related conditions. This variant disrupts the double-RWD (DRWD) domain of the FANCL protein, which is necessary for the interaction with its substrate, the FANCD2-FANCI complex (26149689, 23613520). In addition, this variant deletes the RING domain of the FANCL protein, which is necessary for FANCL interaction with Ube2t and Ube2w, and subsequent monoubiquitination of FANCD2 (PMID: 12973351, 17938197, 19111657, 24389026, 26149689). While functional studies have not been performed to directly test the effect of this variant on FANCL protein function, this suggests that disruption of this region of the protein is causative of disease. In summary, the currently available evidence indicates that the variant is pathogenic, but additional data are needed to prove that conclusively. Therefore, this variant has been classified as Likely Pathogenic.

Literature cited by the submitters: PubMed 12973351; PubMed 17938197; PubMed 19111657; PubMed 24389026; PubMed 26149689.

NC_000002.11:g.(?_58386900)_(58393029_?)del

Genes: FANCL (FA complementation group L; minus strand), VRK2 (VRK serine/threonine kinase 2; plus strand). Cytogenetic location: 2p16.1.
Variant type: Deletion.
Identifiers: ClinVar variation 3247131 (VCV003247131.1).